The following is an entry in ClinVar:

ClinVar aggregate classification (germline): Benign/Likely benign. Review status: criteria provided, multiple submitters, no conflicts (2 of 4 stars). 6 submissions from 6 submitters: Benign (4); Likely benign (2). Last evaluated 2026-02-03.

Conditions:
Developmental and epileptic encephalopathy, 69. Also called: EPILEPTIC ENCEPHALOPATHY, EARLY INFANTILE, 69. Identifiers: MedGen C4748988, MONDO:0032657, OMIM 618285.

Allele frequency attached by ClinVar (database versions not stated): gnomAD exomes 0.00030 and 0.00079; ExAC 0.00095; ESP Exome Variant Server 0.00260; gnomAD 0.00322 and 0.00344; 1000 Genomes Project 30x 0.00359; TOPMed 0.00381; 1000 Genomes Project 0.00399.
gnomAD v4.1: 948 of 1,613,232 alleles (0.059%); highest among the groups gnomAD compares: African/African-American, 1%; 1 homozygote.

Submissions (6):

Labcorp Genetics (formerly Invitae), Labcorp
Classification: Benign. Last evaluated: 2026-02-03. Review status: criteria provided, single submitter. Criteria: Invitae Variant Classification Sherloc (09022015). Collection method: clinical testing. Allele origin: germline.

Blueprint Genetics
Classification: Likely benign. Last evaluated: 2024-09-02. Review status: criteria provided, single submitter. Criteria: ACMG Guidelines, 2015. Collection method: clinical testing. Allele origin: germline.

CeGaT Center for Human Genetics Tuebingen
Classification: Likely benign. Last evaluated: 2024-06-01. Review status: criteria provided, single submitter. Criteria: CeGaT Center For Human Genetics Tuebingen Variant Classification Criteria Version 2. Collection method: clinical testing. Allele origin: germline. Affected: yes. Observed: 1 variant allele.
Comment: CACNA1E: PP3, BS1

Genome-Nilou Lab
Classification: Benign for Developmental and epileptic encephalopathy, 69. Last evaluated: 2023-04-11. Review status: criteria provided, single submitter. Criteria: ACMG Guidelines, 2015. Collection method: clinical testing. Allele origin: germline. Affected: no.

GeneDx
Classification: Benign. Last evaluated: 2021-04-11. Review status: criteria provided, single submitter. Criteria: GeneDx Variant Classification Process June 2021. Collection method: clinical testing. Allele origin: germline. Affected: yes.

Breakthrough Genomics
Classification: Benign. Review status: criteria provided, single submitter. Criteria: ACMG Guidelines, 2015. Collection method: not provided. Allele origin: germline. Inheritance: Autosomal dominant inheritance. Affected: yes.

NM_001205293.3(CACNA1E):c.6515A>G (p.Tyr2172Cys)

Gene: CACNA1E (calcium voltage-gated channel subunit alpha1 E; plus strand). Cytogenetic location: 1q25.3.
Variant type: single nucleotide variant.
Coding change: c.6515A>G on transcript NM_001205293.3 (MANE Select); coding-DNA position 6515, A replaced by G.
Protein change: p.Tyr2172Cys; replaces tyrosine 2172 with cysteine.
Molecular consequence: missense variant.
Genome position (GRCh38, 1-based): chr1:181,798,407, A>G. VCF-style: chr1-181798407-A-G. GRCh37 (hg19) VCF-style: chr1-181767543-A-G.
Other names: c.6386A>G, p.Tyr2129Cys (NM_000721.4); c.6329A>G, p.Tyr2110Cys (NM_001205294.2); short protein forms Y2110C, Y2129C, Y2172C.
Identifiers: ClinVar variation 1246480 (VCV001246480.30), dbSNP rs74695054, ClinGen allele CA1276431.